The following is an entry in ClinVar:

ClinVar aggregate classification (germline): Pathogenic (1 of 4 stars; one submission).

Conditions:
Methylmalonic aciduria and homocystinuria type cblD (MAHCD). Also called: METHYLMALONIC ACIDEMIA, cblH TYPE; Methylmalonic aciduria with homocystinuria cblD type. Identifiers: Orphanet 622, Orphanet 79283, MedGen C1848552, MONDO:0010185, OMIM 277410.

Submission:

Labcorp Genetics (formerly Invitae), Labcorp
Classification: Pathogenic for Methylmalonic aciduria and homocystinuria type cblD. Last evaluated: 2023-12-06. Review status: criteria provided, single submitter. Criteria: Invitae Variant Classification Sherloc (09022015). Collection method: clinical testing. Allele origin: germline.
Comment: This sequence change creates a premature translational stop signal (p.Arg8Lysfs*16) in the MMADHC gene. It is expected to result in an absent or disrupted protein product. Loss-of-function variants in MMADHC are known to be pathogenic (PMID: 18385497). This variant is not present in population databases (gnomAD no frequency). This variant has not been reported in the literature in individuals affected with MMADHC-related conditions. For these reasons, this variant has been classified as Pathogenic.

Literature cited by the submitters: PubMed 18385497.

NM_015702.3(MMADHC):c.22dup (p.Arg8fs)

Gene: MMADHC (metabolism of cobalamin associated D; minus strand). Cytogenetic location: 2q23.2.
Variant type: Duplication.
Coding change: c.22dup on transcript NM_015702.3 (MANE Select); coding-DNA position 22, one base duplicated (A; older notation c.22dupA).
Protein change: p.Arg8fs; shifts the reading frame from arginine 8.
Molecular consequence: frameshift variant.
Genome position (GRCh38, 1-based): chr2:149,582,259, T duplicated on the plus strand (A on the coding strand, the reverse complement: MMADHC is on the minus strand). VCF-style (leftmost placement, unchanged base first): chr2-149582258-C-CT. GRCh37 (hg19) VCF-style: chr2-150438772-C-CT.
Other names: short protein forms R8fs.
Identifiers: ClinVar variation 2701308 (VCV002701308.3), dbSNP rs2467648001, ClinGen allele CA2697551102.
Genomic context (GRCh38, chr2:149,582,258, plus strand): 5'-GGATTGACAACCCTTTTAACTAAAGAGCAAAATCCTGGGAGATAGGAAACCAGTCTGGCT[C>CT]TGTTACAAAGCACCTAGAAATGACACAAAATTAAAACTATTTGTTCTGAATATAAATGTT-3'